The following is an entry in ClinVar:

NM_004859.4(CLTC):c.3878G>A (p.Arg1293His)

Gene: CLTC (clathrin heavy chain; plus strand). Cytogenetic location: 17q23.1.
Variant type: single nucleotide variant.
Coding change: c.3878G>A on transcript NM_004859.4 (MANE Select); coding-DNA position 3878, G replaced by A.
Protein change: p.Arg1293His; replaces arginine 1293 with histidine.
Molecular consequence: missense variant.
Genome position (GRCh38, 1-based): chr17:59,683,099, G>A. VCF-style: chr17-59683099-G-A. GRCh37 (hg19) VCF-style: chr17-57760460-G-A.
Other names: c.3890G>A, p.Arg1297His (NM_001288653.2); short protein forms R1293H, R1297H.
Identifiers: ClinVar variation 1309007 (VCV001309007.7), dbSNP rs911275826, ClinGen allele CA400419404.

ClinVar aggregate classification (germline): Uncertain significance. Review status: criteria provided, multiple submitters, no conflicts (2 of 4 stars). 3 submissions from 3 submitters: Uncertain significance (3). Last evaluated 2025-09-08.

Conditions:
Intellectual developmental disorder, autosomal dominant 56. Also called: MENTAL RETARDATION, AUTOSOMAL DOMINANT 56; Intellectual disability, autosomal dominant 56. Identifiers: MedGen C4693389, MONDO:0030922, OMIM 617854.

gnomAD v4.1: 11 of 1,613,986 alleles (0.00068%); highest among the groups gnomAD compares: African/African-American, 0.0013%; no homozygotes.

Submissions (3):

Labcorp Genetics (formerly Invitae), Labcorp
Classification: Uncertain significance. Last evaluated: 2025-09-08. Review status: criteria provided, single submitter. Criteria: Invitae Variant Classification Sherloc (09022015). Collection method: clinical testing. Allele origin: germline.
Comment: This sequence change replaces arginine, which is basic and polar, with histidine, which is basic and polar, at codon 1297 of the CLTC protein (p.Arg1297His). The frequency data for this variant in the population databases is considered unreliable, as metrics indicate poor data quality at this position in the gnomAD database. This variant has not been reported in the literature in individuals affected with CLTC-related conditions. ClinVar contains an entry for this variant (Variation ID: 1309007). Invitae Evidence Modeling of protein sequence and biophysical properties (such as structural, functional, and spatial information, amino acid conservation, physicochemical variation, residue mobility, and thermodynamic stability) indicates that this missense variant is not expected to disrupt CLTC protein function with a negative predictive value of 80%. In summary, the available evidence is currently insufficient to determine the role of this variant in disease. Therefore, it has been classified as a Variant of Uncertain Significance.

ARUP Laboratories, Molecular Genetics and Genomics, ARUP Laboratories
Classification: Uncertain significance for Intellectual developmental disorder, autosomal dominant 56. Last evaluated: 2025-03-20. Review status: criteria provided, single submitter. Criteria: ARUP Molecular Germline Variant Investigation Process 2024. Collection method: clinical testing. Allele origin: germline.

GeneDx
Classification: Uncertain significance. Last evaluated: 2020-10-04. Review status: criteria provided, single submitter. Criteria: GeneDx Variant Classification Process June 2021. Collection method: clinical testing. Allele origin: germline. Affected: yes.
Comment: Not observed in large population cohorts (Lek et al., 2016); In silico analysis, which includes protein predictors and evolutionary conservation, supports a deleterious effect; Has not been previously published as pathogenic or benign to our knowledge